The following is an entry in ClinVar:

NM_003384.3(VRK1):c.-5-213G>A

Gene: VRK1 (VRK serine/threonine kinase 1; plus strand). Cytogenetic location: 14q32.2.
Variant type: single nucleotide variant.
Coding change: c.-5-213G>A on transcript NM_003384.3 (MANE Select); 213 bases into the intron before 5 bases upstream of the start codon, G replaced by A.
Molecular consequence: intron variant.
Genome position (GRCh38, 1-based): chr14:96,833,254, G>A. VCF-style: chr14-96833254-G-A. GRCh37 (hg19) VCF-style: chr14-97299591-G-A.
Identifiers: ClinVar variation 675686 (VCV000675686.1), dbSNP rs10134437, ClinGen allele CA15820371.

ClinVar aggregate classification (germline): Benign (1 of 4 stars; one submission).

Allele frequency attached by ClinVar (database versions not stated): 1000 Genomes Project 0.06589; 1000 Genomes Project 30x 0.06590; TOPMed 0.12334; gnomAD 0.12914 and 0.13329.
gnomAD v4.1: 19,797 of 152,114 alleles (13%); highest among the groups gnomAD compares: Non-Finnish European, 19%; 1,636 homozygotes.

Submission:

GeneDx
Classification: Benign. Last evaluated: 2018-06-19. Review status: criteria provided, single submitter. Criteria: GeneDx Variant Classification (06012015). Collection method: clinical testing. Allele origin: germline. Affected: yes.
Comment: This variant is considered likely benign or benign based on one or more of the following criteria: it is a conservative change, it occurs at a poorly conserved position in the protein, it is predicted to be benign by multiple in silico algorithms, and/or has population frequency not consistent with disease.